The following is an entry in ClinVar:

ClinVar aggregate classification (germline): Uncertain significance (1 of 4 stars; one submission).

Submission:

Labcorp Genetics (formerly Invitae), Labcorp
Classification: Uncertain significance. Last evaluated: 2025-12-29. Review status: criteria provided, single submitter. Criteria: Invitae Variant Classification Sherloc (09022015). Collection method: clinical testing. Allele origin: germline.
Comment: This sequence change replaces histidine, which is basic and polar, with proline, which is neutral and non-polar, at codon 325 of the ADGRA3 protein (p.His325Pro). This variant is not present in population databases (gnomAD no frequency). This variant has not been reported in the literature in individuals affected with ADGRA3-related conditions. An algorithm developed to predict the effect of missense changes on protein structure and function (PolyPhen-2) suggests that this variant is likely to be disruptive. In summary, the available evidence is currently insufficient to determine the role of this variant in disease. Therefore, it has been classified as a Variant of Uncertain Significance.

NM_145290.4(ADGRA3):c.974A>C (p.His325Pro)

Gene: ADGRA3 (adhesion G protein-coupled receptor A3; minus strand). Cytogenetic location: 4p15.2.
Variant type: single nucleotide variant.
Coding change: c.974A>C on transcript NM_145290.4 (MANE Select); coding-DNA position 974, A replaced by C.
Protein change: p.His325Pro; replaces histidine 325 with proline.
Molecular consequence: missense variant.
Genome position (GRCh38, 1-based): chr4:22,438,367, T>G on the plus strand (A>C on the coding strand, the complement: ADGRA3 is on the minus strand). VCF-style: chr4-22438367-T-G. GRCh37 (hg19) VCF-style: chr4-22439990-T-G.
Other names: short protein forms H325P.
Identifiers: ClinVar variation 4733953 (VCV004733953.1).
Genomic context (GRCh38, chr4:22,438,367, plus strand): 5'-GAACTCTCTAATACCACAATATCCACAGTCCTCGTATTATTCCCACGTTTGGTCTGGACA[T>G]GACAGCCCCAATTTCCAGTAGATCCAGCCTGAATATTAGAAATGGTTAGGGCACTGCATA-3'
Protein context (NP_660333.2, residues 315-335): QAGSTGNWGC[His325Pro]VQTKRGNNTR